The following is an entry in ClinVar:

ClinVar aggregate classification (germline): Likely benign. Review status: criteria provided, multiple submitters, no conflicts (2 of 4 stars). 2 submissions from 2 submitters: Likely benign (2). Last evaluated 2024-02-03.

Conditions:
Congenital disorder of deglycosylation (CDDG). Identifiers: MedGen C3808991, MONDO:0031376.

Allele frequency attached by ClinVar (database versions not stated): ExAC 0.00001.
gnomAD v4.1: 10 of 1,597,124 alleles (0.00063%); highest among the groups gnomAD compares: Non-Finnish European, 0.00077%; no homozygotes.

Submissions (2):

Labcorp Genetics (formerly Invitae), Labcorp
Classification: Likely benign for Congenital disorder of deglycosylation. Last evaluated: 2024-02-03. Review status: criteria provided, single submitter. Criteria: Invitae Variant Classification Sherloc (09022015). Collection method: clinical testing. Allele origin: germline.

GeneDx
Classification: Likely benign. Last evaluated: 2018-04-26. Review status: criteria provided, single submitter. Criteria: GeneDx Variant Classification (06012015). Collection method: clinical testing. Allele origin: germline. Affected: yes.
Comment: This variant is considered likely benign or benign based on one or more of the following criteria: it is a conservative change, it occurs at a poorly conserved position in the protein, it is predicted to be benign by multiple in silico algorithms, and/or has population frequency not consistent with disease.

NM_018297.4(NGLY1):c.1789+17A>C

Gene: NGLY1 (N-glycanase 1; minus strand). Cytogenetic location: 3p24.2.
Variant type: single nucleotide variant.
Coding change: c.1789+17A>C on transcript NM_018297.4 (MANE Select); 17 bases into the intron after coding-DNA position 1789, A replaced by C.
Molecular consequence: intron variant.
Genome position (GRCh38, 1-based): chr3:25,719,997, T>G on the plus strand (A>C on the coding strand, the complement: NGLY1 is on the minus strand). VCF-style: chr3-25719997-T-G. GRCh37 (hg19) VCF-style: chr3-25761488-T-G.
Other names: c.1663+17A>C (NM_001145294.2); c.1612-362A>C (NM_001145295.2); c.1735+17A>C (NM_001145293.2).
Identifiers: ClinVar variation 681959 (VCV000681959.4), dbSNP rs771273627, ClinGen allele CA2289072.